The following is an entry in ClinVar:

NM_003119.4(SPG7):c.703A>G (p.Ile235Val)

Gene: SPG7 (SPG7 matrix AAA peptidase subunit, paraplegin; plus strand). Cytogenetic location: 16q24.3.
Variant type: single nucleotide variant.
Coding change: c.703A>G on transcript NM_003119.4 (MANE Select); coding-DNA position 703, A replaced by G.
Protein change: p.Ile235Val; replaces isoleucine 235 with valine.
Molecular consequence: missense variant.
Genome position (GRCh38, 1-based): chr16:89,526,413, A>G. VCF-style: chr16-89526413-A-G. GRCh37 (hg19) VCF-style: chr16-89592821-A-G.
Other names: p.I235V:ATC>GTC; c.703A>G, p.Ile235Val (NM_001363850.1, NM_199367.3); short protein forms I235V.
Identifiers: ClinVar variation 215206 (VCV000215206.9), dbSNP rs191022979, ClinGen allele CA320149.

ClinVar aggregate classification (germline): Uncertain significance. Review status: criteria provided, multiple submitters, no conflicts (2 of 4 stars). 2 submissions from 2 submitters: Uncertain significance (2). Last evaluated 2023-11-22.

Conditions:
Hereditary spastic paraplegia 7 (SPG7). Also called: Autosomal recessive spastic paraplegia type 7; Spastic paraplegia 7; Hereditary spastic paraplegia Paraplegin type; SPASTIC PARAPLEGIA 7, AUTOSOMAL RECESSIVE, WITH OR WITHOUT CEREBELLAR ATAXIA; SPG7-related neurologic disorder. Identifiers: Orphanet 99013, MedGen C1846564, MONDO:0011803, OMIM 607259.

Allele frequency attached by ClinVar (database versions not stated): gnomAD 0.00003 and 0.00001; gnomAD exomes 0.00006; 1000 Genomes Project 30x 0.00047; TOPMed 0.00002; 1000 Genomes Project 0.00040; ExAC 0.00004.
gnomAD v4.1: 22 of 1,614,204 alleles (0.0014%); highest among the groups gnomAD compares: Admixed American, 0.03%; no homozygotes.

Submissions (2):

Labcorp Genetics (formerly Invitae), Labcorp
Classification: Uncertain significance for Hereditary spastic paraplegia 7. Last evaluated: 2023-11-22. Review status: criteria provided, single submitter. Criteria: Invitae Variant Classification Sherloc (09022015). Collection method: clinical testing. Allele origin: germline.
Comment: This sequence change replaces isoleucine, which is neutral and non-polar, with valine, which is neutral and non-polar, at codon 235 of the SPG7 protein (p.Ile235Val). This variant is present in population databases (rs191022979, gnomAD 0.04%). This variant has not been reported in the literature in individuals affected with SPG7-related conditions. ClinVar contains an entry for this variant (Variation ID: 215206). Advanced modeling of protein sequence and biophysical properties (such as structural, functional, and spatial information, amino acid conservation, physicochemical variation, residue mobility, and thermodynamic stability) performed at Invitae indicates that this missense variant is not expected to disrupt SPG7 protein function with a negative predictive value of 80%. In summary, the available evidence is currently insufficient to determine the role of this variant in disease. Therefore, it has been classified as a Variant of Uncertain Significance.

GeneDx
Classification: Uncertain significance. Last evaluated: 2018-08-28. Review status: criteria provided, single submitter. Criteria: GeneDx Variant Classification (06012015). Collection method: clinical testing. Allele origin: germline. Affected: yes.
Comment: p.Ile235Val (ATC>GTC): c.703 A>G in exon 5 of the SPG7 gene (NM_003119.2) A variant of unknown significance has been identified in the SPG7 gene. The I235V variant has not been published as a mutation, nor has it been reported as a benign polymorphism to our knowledge. The 1000 Genomes Project reports I235V was observed in 2/120 (1.7%) alleles from individuals of a Mexican ancestry (Los Angeles USA) background, indicating it may be a rare (benign) variant in this population. The I235V variant is a conservative amino acid substitution, which is not likely to impact secondary protein structure as these residues share similar properties. This substitution occurs at a position that is conserved across species. In silico analysis is inconsistent in its predictions as to whether or not the variant is damaging to the protein structure/function. Therefore, based on the currently available information, it is unclear whether this variant is a pathogenic mutation or a rare benign variant. The variant is found in MITONUC-MITOP panel(s).